The following is an entry in ClinVar:

NM_001330360.2(POLA1):c.100AAG[1] (p.Lys35del)

Gene: POLA1 (DNA polymerase alpha 1, catalytic subunit; plus strand). Cytogenetic location: Xp22.11.
Variant type: Microsatellite.
Coding change: c.100AAG[1] on transcript NM_001330360.2 (MANE Select); one copy of the 3-base unit AAG starting at c.100; the reference has two copies in a row; one copy, 3 bases deleted.
Protein change: p.Lys35del; deletes lysine 35.
Molecular consequence: non-coding transcript variant (on NR_165482.1).
Genome position (GRCh38, 1-based): chrX:24,699,484-24,699,486, AAG deleted; deleting any 3 consecutive bases within chrX:24,699,481-24,699,486 gives the same sequence; the position shown is the placement nearest the transcript's 3' end. VCF-style (leftmost placement, unchanged base first): chrX-24699480-AAAG-A. GRCh37 (hg19) VCF-style: chrX-24717597-AAAG-A.
Other names: p.Lys29del; c.100AAG[1], p.Lys35del (NM_001378303.1); c.82AAG[1], p.Lys29del (NM_016937.4); c.85_87del (NM_016937.4); short protein forms K29del, K35del.
Identifiers: ClinVar variation 3380737 (VCV003380737.1).

ClinVar aggregate classification (germline): Uncertain significance (1 of 4 stars; one submission).

Submission:

Mayo Clinic Laboratories, Mayo Clinic
Classification: Uncertain significance. Last evaluated: 2024-04-08. Review status: criteria provided, single submitter. Criteria: ACMG Guidelines, 2015. Collection method: clinical testing. Allele origin: germline. Observed: 1 variant allele.
Comment: PM2, PM4